The following is an entry in ClinVar:

NM_016599.5(MYOZ2):c.706C>T (p.Pro236Ser)

Gene: MYOZ2 (myozenin 2; plus strand). Cytogenetic location: 4q26.
Variant type: single nucleotide variant.
Coding change: c.706C>T on transcript NM_016599.5 (MANE Select); coding-DNA position 706, C replaced by T.
Protein change: p.Pro236Ser; replaces proline 236 with serine.
Molecular consequence: missense variant.
Genome position (GRCh38, 1-based): chr4:119,186,111, C>T. VCF-style: chr4-119186111-C-T. GRCh37 (hg19) VCF-style: chr4-120107266-C-T.
Other names: short protein forms P236S.
Identifiers: ClinVar variation 1980759 (VCV001980759.4), dbSNP rs746162581, ClinGen allele CA3058695.

ClinVar aggregate classification (germline): Uncertain significance (1 of 4 stars; one submission).

Conditions:
Hypertrophic cardiomyopathy. Also called: HYPERTROPHIC MYOCARDIOPATHY. Identifiers: Orphanet 217569, MedGen C0007194, MeSH D002312, MONDO:0005045, HP:0001639.

Allele frequency attached by ClinVar (database versions not stated): ExAC 0.00003.
gnomAD v4.1: 7 of 1,613,702 alleles (0.00043%); highest among the groups gnomAD compares: East Asian, 0.016%; no homozygotes.

Submission:

Labcorp Genetics (formerly Invitae), Labcorp
Classification: Uncertain significance for Hypertrophic cardiomyopathy. Last evaluated: 2024-12-05. Review status: criteria provided, single submitter. Criteria: Invitae Variant Classification Sherloc (09022015). Collection method: clinical testing. Allele origin: germline.
Comment: This sequence change replaces proline, which is neutral and non-polar, with serine, which is neutral and polar, at codon 236 of the MYOZ2 protein (p.Pro236Ser). This variant is present in population databases (rs746162581, gnomAD 0.03%). This variant has not been reported in the literature in individuals affected with MYOZ2-related conditions. ClinVar contains an entry for this variant (Variation ID: 1980759). Invitae Evidence Modeling of protein sequence and biophysical properties (such as structural, functional, and spatial information, amino acid conservation, physicochemical variation, residue mobility, and thermodynamic stability) has been performed for this missense variant. However, the output from this modeling did not meet the statistical confidence thresholds required to predict the impact of this variant on MYOZ2 protein function. In summary, the available evidence is currently insufficient to determine the role of this variant in disease. Therefore, it has been classified as a Variant of Uncertain Significance.